The following is an entry in ClinVar:

ClinVar aggregate classification (germline): Pathogenic (1 of 4 stars; one submission).

Conditions:
Severe X-linked myotubular myopathy (CNMX). Also called: X-linked centronuclear myopathy; MYOTUBULAR MYOPATHY 1; Myotubular myopathy, X-linked. Identifiers: Orphanet 596, MedGen C0410203, MONDO:0010683, OMIM 310400.

Submission:

Myriad Genetics, Inc.
Classification: Pathogenic for Severe X-linked myotubular myopathy. Last evaluated: 2023-09-27. Review status: criteria provided, single submitter. Criteria: Myriad Autosomal Dominant, Autosomal Recessive and X-Linked Classification Criteria (2023). Collection method: clinical testing. Allele origin: unknown.
Comment: NM_000252.2(MTM1):c.912dupC(E305Rfs*9) is expected to be pathogenic in the context of X-linked myotubular myopathy. This variant is predicted to lead to an abnormal or absent protein product due to the creation of a premature termination codon in MTM1, a gene where loss-of-function variants are known to be pathogenic. Please note: this variant was assessed in the context of healthy population screening.

NM_000252.3(MTM1):c.912dup (p.Glu305fs)

Gene: MTM1 (myotubularin 1; plus strand). Cytogenetic location: Xq28.
Variant type: Duplication.
Coding change: c.912dup on transcript NM_000252.3 (MANE Select); coding-DNA position 912, one base duplicated (C; older notation c.912dupC).
Protein change: p.Glu305fs; shifts the reading frame from glutamic acid 305.
Molecular consequence: frameshift variant.
Genome position (GRCh38, 1-based): chrX:150,649,760, C duplicated; the last of 2 consecutive C bases (chrX:150,649,759-150,649,760); duplicating either gives the same sequence. VCF-style (leftmost placement, unchanged base first): chrX-150649758-G-GC. GRCh37 (hg19) VCF-style: chrX-149818231-G-GC.
Other names: c.912dup, p.Glu305fs (NM_001376906.1, NM_001376908.1); c.801dup, p.Glu268fs (NM_001376907.1); short protein forms E268fs, E305fs.
Identifiers: ClinVar variation 5012198 (VCV005012198.1).